The following is an entry in ClinVar:

ClinVar aggregate classification (germline): Benign/Likely benign. Review status: criteria provided, multiple submitters, no conflicts (2 of 4 stars). 7 submissions from 7 submitters: Benign (1); Likely benign (4). 2 of the submissions do not count toward it. Last evaluated 2025-10-30.

Conditions:
Hereditary breast ovarian cancer syndrome. Also called: Hereditary breast and ovarian cancer syndrome; Hereditary breast and ovarian cancer; Hereditary breast and ovarian cancer syndrome (HBOC); Breast and ovarian cancer; Hereditary breast and/or ovarian cancer syndrome; BRCA1- and BRCA2-Associated Hereditary Breast and Ovarian Cancer. Identifiers: Orphanet 145, MedGen C0677776, MeSH D061325, MONDO:0003582. Disease mechanism: loss of function.
Hereditary cancer-predisposing syndrome. Also called: Neoplastic Syndromes, Hereditary; Tumor predisposition; Hereditary neoplastic syndrome; Hereditary Cancer Syndrome. Identifiers: Orphanet 140162, MedGen C0027672, MeSH D009386, MONDO:0015356.
Breast-ovarian cancer, familial, susceptibility to, 2 (BROVCA2). Also called: BRCA2 Hereditary Breast and Ovarian Cancer. Identifiers: Orphanet 145, MedGen C2675520, MONDO:0012933, OMIM 612555. Disease mechanism: loss of function.

Allele frequency attached by ClinVar (database versions not stated): TOPMed below 0.00001; ExAC 0.00001; gnomAD 0.00001; gnomAD exomes 0.00001.
gnomAD v4.1: 15 of 1,611,258 alleles (0.00093%); highest among the groups gnomAD compares: Admixed American, 0.005%; no homozygotes.

Submissions (7):

Labcorp Genetics (formerly Invitae), Labcorp
Classification: Likely benign for Hereditary breast ovarian cancer syndrome. Last evaluated: 2025-10-30. Review status: criteria provided, single submitter. Criteria: Invitae Variant Classification Sherloc (09022015). Collection method: clinical testing. Allele origin: germline.

Women's Health and Genetics/Laboratory Corporation of America, LabCorp
Classification: Likely benign. Last evaluated: 2025-04-18. Review status: criteria provided, single submitter. Criteria: LabCorp Variant Classification Summary - May 2015. Collection method: clinical testing. Allele origin: germline.
Comment: Variant summary: BRCA2 c.7805+8A>G alters a non-conserved nucleotide located at a position not widely known to affect splicing. Consensus agreement among computation tools predict no significant impact on normal splicing. However, these predictions have yet to be confirmed by functional studies. The variant allele was found at a frequency of 1.2e-05 in 251190 control chromosomes. The available data on variant occurrences in the general population are insufficient to allow any conclusion about variant significance. c.7805+8A>G has been reported in the literature as a variant of uncertain significance in at least one individual affected with Hereditary Breast and Ovarian Cancer (Lu_2012). These report(s) do not provide unequivocal conclusions about association of the variant with Hereditary Breast And Ovarian Cancer Syndrome. To our knowledge, no experimental evidence demonstrating an impact on protein function has been reported. The following publication has been ascertained in the context of this evaluation (PMID: 22476429). ClinVar contains an entry for this variant (Variation ID: 52414). Based on the evidence outlined above, the variant was classified as likely benign.

Quest Diagnostics Nichols Institute San Juan Capistrano
Classification: Likely benign. Last evaluated: 2022-11-11. Review status: criteria provided, single submitter. Criteria: Quest Diagnostics criteria. Collection method: clinical testing. Allele origin: unknown.

Color Diagnostics, LLC DBA Color Health
Classification: Likely benign for Hereditary cancer-predisposing syndrome. Last evaluated: 2015-09-03. Review status: criteria provided, single submitter. Criteria: ACMG Guidelines, 2015. Collection method: clinical testing. Allele origin: germline.

GeneDx
Classification: Benign. Last evaluated: 2015-06-30. Review status: criteria provided, single submitter. Criteria: GeneDx Variant Classification Process June 2021. Collection method: clinical testing. Allele origin: germline. Affected: yes.
Comment: This variant is associated with the following publications: (PMID: 21965345, 22476429)

Sharing Clinical Reports Project (SCRP)
Classification: Likely benign for Breast-ovarian cancer, familial 2. Last evaluated: 2010-07-22. Review status: no assertion criteria provided. Collection method: clinical testing. Allele origin: germline. Not counted in ClinVar's aggregate classification.

Breast Cancer Information Core (BIC) (BRCA2)
Classification: Uncertain significance for Breast-ovarian cancer, familial 2. Review status: no assertion criteria provided. Collection method: clinical testing. Allele origin: germline. Affected: yes. Observed: 1 variant allele. Not counted in ClinVar's aggregate classification.

Literature cited by the submitters: PubMed 22476429 (cited by Women's Health and Genetics/Laboratory Corporation of America, LabCorp and Quest Diagnostics Nichols Institute San Juan Capistrano).

NM_000059.4(BRCA2):c.7805+8A>G

Gene: BRCA2 (BRCA2 DNA repair associated; plus strand). Cytogenetic location: 13q13.1.
Variant type: single nucleotide variant.
Coding change: c.7805+8A>G on transcript NM_000059.4 (MANE Select); 8 bases into the intron after coding-DNA position 7805, A replaced by G.
Molecular consequence: intron variant.
Genome position (GRCh38, 1-based): chr13:32,357,937, A>G. VCF-style: chr13-32357937-A-G. GRCh37 (hg19) VCF-style: chr13-32932074-A-G.
Other names: IVS16+8A>G.
Identifiers: ClinVar variation 52414 (VCV000052414.21), dbSNP rs81002847, ClinGen allele CA025284.